The following is an entry in ClinVar:

ClinVar aggregate classification (germline): Likely pathogenic (1 of 4 stars; one submission).

Conditions:
Primary ciliary dyskinesia 3. Identifiers: Orphanet 244, MedGen C1837618, MONDO:0012085, OMIM 608644.

Submission:

Myriad Genetics, Inc.
Classification: Likely pathogenic for Primary ciliary dyskinesia 3. Last evaluated: 2022-04-23. Review status: criteria provided, single submitter. Criteria: Myriad Women's Health Autosomal Recessive and X-Linked Classification Criteria (2021). Collection method: clinical testing. Allele origin: unknown.
Comment: NM_001369.2(DNAH5):c.12478G>T(G4160*) is expected to be pathogenic in the context of DNAH5-related primary ciliary dyskinesia. This variant is predicted to lead to an abnormal or absent protein product due to the creation of a premature termination codon in DNAH5, a gene where loss-of-function variants are known to be pathogenic. Please note: this variant was assessed in the context of healthy population screening.

NM_001369.3(DNAH5):c.12478G>T (p.Gly4160Ter)

Gene: DNAH5 (dynein axonemal heavy chain 5; minus strand). Cytogenetic location: 5p15.2.
Variant type: single nucleotide variant.
Coding change: c.12478G>T on transcript NM_001369.3 (MANE Select); coding-DNA position 12478, G replaced by T.
Protein change: p.Gly4160Ter; replaces glycine 4160 with a stop codon.
Molecular consequence: nonsense.
Genome position (GRCh38, 1-based): chr5:13,718,903, C>A on the plus strand (G>T on the coding strand, the complement: DNAH5 is on the minus strand). VCF-style: chr5-13718903-C-A. GRCh37 (hg19) VCF-style: chr5-13719012-C-A.
Other names: short protein forms G4160*.
Identifiers: ClinVar variation 1725950 (VCV001725950.2), dbSNP rs2546517357, ClinGen allele CA359208931.
Genomic context (GRCh38, chr5:13,718,903, plus strand): 5'-AGGAAACTCCTGTAGACTCGCAAGTATTTCTGGACTCACCACTATATGTTCTTTTCAGTC[C>A]TGCCCGGAGTCCTTGTGGAGGATCGTTGGCAAATTTAATGGACATCTGAAGGAGTGTAAT-3'